The following is an entry in ClinVar:

ClinVar aggregate classification (germline): Likely benign. Review status: criteria provided, multiple submitters, no conflicts (2 of 4 stars). 2 submissions from 2 submitters: Likely benign (2). Last evaluated 2025-04-24.

Conditions:
SETD2-related disorder.
Luscan-Lumish syndrome. Identifiers: Orphanet 597738, MedGen C4085873, MONDO:0014791, OMIM 616831.

Allele frequency attached by ClinVar (database versions not stated): TOPMed below 0.00001; gnomAD exomes 0.00001.
gnomAD v4.1: 8 of 1,551,614 alleles (0.00052%); highest among the groups gnomAD compares: Non-Finnish European, 0.0007%; no homozygotes.

Submissions (2):

PreventionGenetics, part of Exact Sciences
Classification: Likely benign for SETD2-related condition. Last evaluated: 2025-04-24. Review status: criteria provided, single submitter. Criteria: ACMG Guidelines, 2015. Collection method: clinical testing. Allele origin: germline.
Comment: This variant is classified as likely benign based on ACMG/AMP sequence variant interpretation guidelines (Richards et al. 2015 PMID: 25741868, with internal and published modifications).

Labcorp Genetics (formerly Invitae), Labcorp
Classification: Likely benign for Luscan-Lumish syndrome. Last evaluated: 2022-08-09. Review status: criteria provided, single submitter. Criteria: Invitae Variant Classification Sherloc (09022015). Collection method: clinical testing. Allele origin: germline.

NM_014159.7(SETD2):c.1194A>G (p.Arg398=)

Gene: SETD2 (SET domain containing 2, histone lysine methyltransferase; minus strand). Cytogenetic location: 3p21.31.
Variant type: single nucleotide variant.
Coding change: c.1194A>G on transcript NM_014159.7 (MANE Select); coding-DNA position 1194, A replaced by G.
Protein change: p.Arg398=; no amino-acid change (arginine 398 retained).
Molecular consequence: synonymous variant. On other transcripts: non-coding transcript variant (1).
Genome position (GRCh38, 1-based): chr3:47,123,442, T>C on the plus strand (A>G on the coding strand, the complement: SETD2 is on the minus strand). VCF-style: chr3-47123442-T-C. GRCh37 (hg19) VCF-style: chr3-47164932-T-C.
Other names: c.1062A>G, p.Arg354= (NM_001349370.3).
Identifiers: ClinVar variation 753247 (VCV000753247.10), dbSNP rs1387872740, ClinGen allele CA433602628.
Genomic context (GRCh38, chr3:47,123,442, plus strand): 5'-GGATAAATTAGTTCTAGAGCCTCTCTCAGACCTAGAGTGAGATCTGCTCCGCCGTCGCTC[T>C]CTTTCTGATCTACATCGGGAAGATACATACCGAGTATCTCTTTCAAGTTTTGAATAGCTA-3'
Protein context (NP_054878.5, residues 388-408): RYVSSRCRSE[Arg398=]ERRRSRSHSR